The following is an entry in ClinVar:

NM_181672.3(OGT):c.1292C>T (p.Ala431Val)

Gene: OGT (O-linked N-acetylglucosamine (GlcNAc) transferase; plus strand). Cytogenetic location: Xq13.1.
Variant type: single nucleotide variant.
Coding change: c.1292C>T on transcript NM_181672.3 (MANE Select); coding-DNA position 1292, C replaced by T.
Protein change: p.Ala431Val; replaces alanine 431 with valine.
Molecular consequence: missense variant.
Genome position (GRCh38, 1-based): chrX:71,557,077, C>T. VCF-style: chrX-71557077-C-T. GRCh37 (hg19) VCF-style: chrX-70776927-C-T.
Other names: c.1262C>T, p.Ala421Val (NM_181673.3); short protein forms A421V, A431V.
Identifiers: ClinVar variation 1331182 (VCV001331182.2), dbSNP rs2147683814, ClinGen allele CA413552088.

ClinVar aggregate classification (germline): Uncertain significance (1 of 4 stars; one submission).

Submission:

GeneDx
Classification: Uncertain significance. Last evaluated: 2021-12-14. Review status: criteria provided, single submitter. Criteria: GeneDx Variant Classification Process June 2021. Collection method: clinical testing. Allele origin: germline. Affected: yes.
Comment: Not observed at significant frequency in large population cohorts (Lek et al., 2016); In silico analysis supports that this missense variant has a deleterious effect on protein structure/function; Has not been previously published as pathogenic or benign to our knowledge; This variant is associated with the following publications: (PMID: 27535533)